The following is an entry in ClinVar:

NM_000719.7(CACNA1C):c.3913C>A (p.Pro1305Thr)

Gene: CACNA1C (calcium voltage-gated channel subunit alpha1 C; plus strand). Cytogenetic location: 12p13.33.
Variant type: single nucleotide variant.
Coding change: c.3913C>A on transcript NM_000719.7 (MANE Select); coding-DNA position 3913, C replaced by A.
Protein change: p.Pro1305Thr; replaces proline 1305 with threonine.
Molecular consequence: missense variant. On other transcripts: intron variant (6).
Genome position (GRCh38, 1-based): chr12:2,648,475, C>A. VCF-style: chr12-2648475-C-A. GRCh37 (hg19) VCF-style: chr12-2757641-C-A.
Other names: c.3913C>A, p.Pro1305Thr (NM_001167623.2, NM_001167624.3, NM_001129829.2 and 8 more transcripts); c.4057C>A, p.Pro1353Thr (NM_199460.4, NM_001129827.2); c.3913-3165C>A (NM_001167625.2, NM_001129837.2, NM_001129838.2 and 1 more transcripts); c.3907-3165C>A (NM_001129839.2); c.3997-3165C>A (NM_001129836.2); c.3997C>A, p.Pro1333Thr (NM_001129831.2); c.3973C>A, p.Pro1325Thr (NM_001129832.2); c.3904C>A, p.Pro1302Thr (NM_001129844.2); short protein forms P1305T, P1302T, P1333T, P1325T, P1353T.
Identifiers: ClinVar variation 2174315 (VCV002174315.4), dbSNP rs2527116457, ClinGen allele CA383373138.

ClinVar aggregate classification (germline): Uncertain significance (1 of 4 stars; one submission).

Conditions:
Long QT syndrome (LQTS). Identifiers: MedGen C0023976, MeSH D008133, MONDO:0002442. Disease mechanism: loss of function. Inheritance: Various modes of inheritance.

Allele frequency attached by ClinVar (database versions not stated): gnomAD exomes below 0.00001.
gnomAD v4.1: 1 of 1,613,760 alleles (0.000062%); highest among the groups gnomAD compares: Non-Finnish European, 0.000085%; no homozygotes.

Submission:

Labcorp Genetics (formerly Invitae), Labcorp
Classification: Uncertain significance for Long QT syndrome. Last evaluated: 2022-05-04. Review status: criteria provided, single submitter. Criteria: Invitae Variant Classification Sherloc (09022015). Collection method: clinical testing. Allele origin: germline.
Comment: This variant is not present in population databases (gnomAD no frequency). This sequence change replaces proline, which is neutral and non-polar, with threonine, which is neutral and polar, at codon 1305 of the CACNA1C protein (p.Pro1305Thr). This variant has not been reported in the literature in individuals affected with CACNA1C-related conditions. In summary, the available evidence is currently insufficient to determine the role of this variant in disease. Therefore, it has been classified as a Variant of Uncertain Significance. Algorithms developed to predict the effect of missense changes on protein structure and function are either unavailable or do not agree on the potential impact of this missense change (SIFT: "Deleterious"; PolyPhen-2: "Benign"; Align-GVGD: "Class C0").